The following is an entry in ClinVar:

NM_144643.4(SCLT1):c.910G>A (p.Glu304Lys)

Gene: SCLT1 (sodium channel and clathrin linker 1; minus strand). Cytogenetic location: 4q28.2.
Variant type: single nucleotide variant.
Coding change: c.910G>A on transcript NM_144643.4 (MANE Select); coding-DNA position 910, G replaced by A.
Protein change: p.Glu304Lys; replaces glutamic acid 304 with lysine.
Molecular consequence: missense variant.
Genome position (GRCh38, 1-based): chr4:128,959,737, C>T on the plus strand (G>A on the coding strand, the complement: SCLT1 is on the minus strand). VCF-style: chr4-128959737-C-T. GRCh37 (hg19) VCF-style: chr4-129880892-C-T.
Other names: c.910G>A, p.Glu304Lys (NM_001410807.1); short protein forms E304K.
Identifiers: ClinVar variation 4988454 (VCV004988454.1).

ClinVar aggregate classification (germline): Uncertain significance (1 of 4 stars; one submission).

Conditions:
SCLT1-related disorder. Also called: SCLT1-related condition.

gnomAD v4.1: 13 of 1,613,392 alleles (0.00081%); highest among the groups gnomAD compares: Admixed American, 0.005%; no homozygotes.

Submission:

PreventionGenetics, part of Exact Sciences
Classification: Uncertain significance for SCLT1-related condition. Last evaluated: 2025-10-09. Review status: criteria provided, single submitter. Criteria: ACMG Guidelines, 2015. Collection method: clinical testing. Allele origin: germline.
Comment: The SCLT1 c.910G>A variant is predicted to result in the amino acid substitution p.Glu304Lys. To our knowledge, this variant has not been reported in the literature. This variant is reported in 0.0033% of alleles in individuals of South Asian descent in gnomAD. At this time, the clinical significance of this variant is uncertain due to the absence of conclusive functional and genetic evidence.